The following is an entry in ClinVar:

ClinVar aggregate classification (germline): Conflicting classifications of pathogenicity. Review status: criteria provided, conflicting classifications (1 of 4 stars). 5 submissions from 5 submitters: Pathogenic (1); Uncertain significance (4). Last evaluated 2026-03-11.

Conditions:
Bile acid malabsorption, primary, 1 (PBAM1). Also called: Bile acid malabsorption, primary. Identifiers: MedGen C5561934, MONDO:0013214, OMIM 613291.
SLC10A2-related disorder. Also called: SLC10A2-related condition.

Allele frequency attached by ClinVar (database versions not stated): gnomAD exomes 0.00020 and 0.00027; ExAC 0.00023; ESP Exome Variant Server 0.00023; gnomAD 0.00023 and 0.00025; TOPMed 0.00027; 1000 Genomes Project 30x 0.00047; 1000 Genomes Project 0.00060.
gnomAD v4.1: 435 of 1,614,164 alleles (0.027%); highest among the groups gnomAD compares: Middle Eastern, 0.049%; no homozygotes.

Submissions (5):

PreventionGenetics, part of Exact Sciences
Classification: Uncertain significance for SLC10A2-related condition. Last evaluated: 2026-03-11. Review status: criteria provided, single submitter. Criteria: ACMG Guidelines, 2015. Collection method: clinical testing. Allele origin: germline.
Comment: The SLC10A2 c.197G>A variant is predicted to result in premature protein termination (p.Trp66*). To our knowledge, this variant has not been reported in the literature. This variant is reported in 0.068% of alleles in individuals of Ashkenazi Jewish descent in gnomAD. Although we suspect that this variant may be pathogenic, at this time, the clinical significance of this variant is uncertain due to the absence of conclusive functional and genetic evidence.

Dasa
Classification: Uncertain significance. Last evaluated: 2025-12-21. Review status: criteria provided, single submitter. Criteria: DASA Assertion Criteria. Collection method: clinical testing. Allele origin: germline.
Comment: NM_000452.3(SLC10A2):c.197G>A (p.Trp66*) is a nonsense variant in SLC10A2 predicted to introduce a premature termination codon. Functional evidence supports an impact on the gene or gene product (PMID: 23815591; PMID: 30504769; PMID: 26888176; PMID: 19823678). Also, this variant is rare in population databases. The currently available literature and clinical evidence are not sufficient to establish a definitive association between this variant and the reported condition. Therefore, this variant is classified as a variant of uncertain significance.

Labcorp Genetics (formerly Invitae), Labcorp
Classification: Uncertain significance. Last evaluated: 2025-11-25. Review status: criteria provided, single submitter. Criteria: Invitae Variant Classification Sherloc (09022015). Collection method: clinical testing. Allele origin: germline.
Comment: This sequence change creates a premature translational stop signal (p.Trp66*) in the SLC10A2 gene. It is expected to result in an absent or disrupted protein product. However, the current clinical and genetic evidence is not sufficient to establish whether loss-of-function variants in SLC10A2 cause disease. This variant is present in population databases (rs71640247, gnomAD 0.06%). This variant has not been reported in the literature in individuals affected with SLC10A2-related conditions. ClinVar contains an entry for this variant (Variation ID: 872454). In summary, the available evidence is currently insufficient to determine the role of this variant in disease. Therefore, it has been classified as a Variant of Uncertain Significance.

CeGaT Center for Human Genetics Tuebingen
Classification: Uncertain significance. Last evaluated: 2020-01-01. Review status: criteria provided, single submitter. Criteria: CeGaT Center For Human Genetics Tuebingen Variant Classification Criteria Version 2. Collection method: clinical testing. Allele origin: germline. Affected: yes. Observed: 2 variant alleles.

Baylor Genetics
Classification: Pathogenic for Bile acid malabsorption, primary, 1. Last evaluated: 2019-03-27. Review status: criteria provided, single submitter. Criteria: ACMG Guidelines, 2015. Collection method: clinical testing. Allele origin: unknown. Affected: yes.
Comment: This variant was determined to be pathogenic according to ACMG Guidelines, 2015 [PMID:25741868].

Literature cited by the submitters: PubMed 23815591 (cited by Dasa); PubMed 30504769 (cited by Dasa); PubMed 26888176 (cited by Dasa); PubMed 19823678 (cited by Dasa).

NM_000452.3(SLC10A2):c.197G>A (p.Trp66Ter)

Gene: SLC10A2 (solute carrier family 10 member 2; minus strand). Cytogenetic location: 13q33.1.
Variant type: single nucleotide variant.
Coding change: c.197G>A on transcript NM_000452.3 (MANE Select); coding-DNA position 197, G replaced by A.
Protein change: p.Trp66Ter; replaces tryptophan 66 with a stop codon.
Molecular consequence: nonsense.
Genome position (GRCh38, 1-based): chr13:103,066,053, C>T on the plus strand (G>A on the coding strand, the complement: SLC10A2 is on the minus strand). VCF-style: chr13-103066053-C-T. GRCh37 (hg19) VCF-style: chr13-103718403-C-T.
Other names: short protein forms W66*.
Identifiers: ClinVar variation 872454 (VCV000872454.51), dbSNP rs71640247, ClinGen allele CA7042312.